The following is an entry in ClinVar:

NM_000094.4(COL7A1):c.6061dup (p.Leu2021fs)

Gene: COL7A1 (collagen type VII alpha 1 chain; minus strand). Cytogenetic location: 3p21.31.
Variant type: Duplication.
Coding change: c.6061dup on transcript NM_000094.4 (MANE Select); coding-DNA position 6061, one base duplicated (C; older notation c.6061dupC).
Protein change: p.Leu2021fs; shifts the reading frame from leucine 2021.
Molecular consequence: frameshift variant.
Genome position (GRCh38, 1-based): chr3:48,575,458, G duplicated on the plus strand (C on the coding strand, the reverse complement: COL7A1 is on the minus strand); the first of 3 consecutive G bases (chr3:48,575,458-48,575,460); duplicating any one gives the same sequence. VCF-style (leftmost placement, unchanged base first): chr3-48575457-A-AG. GRCh37 (hg19) VCF-style: chr3-48612890-A-AG.
Other names: short protein forms L2021fs.
Identifiers: ClinVar variation 1452658 (VCV001452658.6), dbSNP rs2107674698, ClinGen allele CA2573137014.
Genomic context (GRCh38, chr3:48,575,457, plus strand): 5'-ATACCAGGCTTTCCAGGCTCCCCGGCAAGGCCGGAAGGCCCGGGGGGGCCCCTCTCCCCA[A>AG]GGGCCAGACCAGGTGGCCCCTGAGGGCCAGGGTCTCCACGGTCGCCCTTCAGCCCGCGTT-3'

ClinVar aggregate classification (germline): Pathogenic (1 of 4 stars; one submission).

Submission:

Labcorp Genetics (formerly Invitae), Labcorp
Classification: Pathogenic. Last evaluated: 2022-07-03. Review status: criteria provided, single submitter. Criteria: Invitae Variant Classification Sherloc (09022015). Collection method: clinical testing. Allele origin: germline.
Comment: This sequence change creates a premature translational stop signal (p.Leu2021Profs*78) in the COL7A1 gene. It is expected to result in an absent or disrupted protein product. Loss-of-function variants in COL7A1 are known to be pathogenic (PMID: 16971478). This variant is not present in population databases (gnomAD no frequency). This variant has not been reported in the literature in individuals affected with COL7A1-related conditions. ClinVar contains an entry for this variant (Variation ID: 1452658). For these reasons, this variant has been classified as Pathogenic.

Literature cited by the submitters: PubMed 16971478.